The following is an entry in ClinVar:

ClinVar aggregate classification (germline): Uncertain significance. Review status: criteria provided, multiple submitters, no conflicts (2 of 4 stars). 2 submissions from 2 submitters: Uncertain significance (2). Last evaluated 2025-04-14.

Conditions:
Hereditary cancer-predisposing syndrome. Also called: Tumor predisposition; Hereditary Cancer Syndrome; Hereditary neoplastic syndrome; Neoplastic Syndromes, Hereditary. Identifiers: Orphanet 140162, MedGen C0027672, MeSH D009386, MONDO:0015356.
Tuberous sclerosis 1 (TSC1). Identifiers: Orphanet 805, MedGen C1854465, MONDO:0008612, OMIM 191100.

Submissions (2):

Labcorp Genetics (formerly Invitae), Labcorp
Classification: Uncertain significance for Tuberous sclerosis 1. Last evaluated: 2025-04-14. Review status: criteria provided, single submitter. Criteria: Invitae Variant Classification Sherloc (09022015). Collection method: clinical testing. Allele origin: germline.
Comment: This sequence change replaces methionine, which is neutral and non-polar, with isoleucine, which is neutral and non-polar, at codon 355 of the TSC1 protein (p.Met355Ile). This variant is not present in population databases (gnomAD no frequency). This variant has not been reported in the literature in individuals affected with TSC1-related conditions. ClinVar contains an entry for this variant (Variation ID: 237694). Invitae Evidence Modeling of protein sequence and biophysical properties (such as structural, functional, and spatial information, amino acid conservation, physicochemical variation, residue mobility, and thermodynamic stability) indicates that this missense variant is not expected to disrupt TSC1 protein function with a negative predictive value of 95%. In summary, the available evidence is currently insufficient to determine the role of this variant in disease. Therefore, it has been classified as a Variant of Uncertain Significance.

Ambry Genetics
Classification: Uncertain significance for Hereditary cancer-predisposing syndrome. Last evaluated: 2024-04-22. Review status: criteria provided, single submitter. Criteria: Ambry Variant Classification Scheme 2023. Collection method: clinical testing. Allele origin: germline.
Comment: The p.M355I variant (also known as c.1065G>A), located in coding exon 9 of the TSC1 gene, results from a G to A substitution at nucleotide position 1065. The methionine at codon 355 is replaced by isoleucine, an amino acid with highly similar properties. This amino acid position is conserved. In addition, the in silico prediction for this alteration is inconclusive. Based on the available evidence, the clinical significance of this variant remains unclear.

NM_000368.5(TSC1):c.1065G>A (p.Met355Ile)

Gene: TSC1 (TSC complex subunit 1; minus strand). Cytogenetic location: 9q34.13.
Variant type: single nucleotide variant.
Coding change: c.1065G>A on transcript NM_000368.5 (MANE Select); coding-DNA position 1065, G replaced by A.
Protein change: p.Met355Ile; replaces methionine 355 with isoleucine.
Molecular consequence: missense variant.
Genome position (GRCh38, 1-based): chr9:132,911,078, C>T on the plus strand (G>A on the coding strand, the complement: TSC1 is on the minus strand). VCF-style: chr9-132911078-C-T. GRCh37 (hg19) VCF-style: chr9-135786465-C-T.
Other names: c.1065G>A, p.Met355Ile (NM_001162426.2); c.912G>A, p.Met304Ile (NM_001162427.2); c.702G>A, p.Met234Ile (NM_001362177.2); short protein forms M355I, M234I, M304I.
Identifiers: ClinVar variation 237694 (VCV000237694.11), dbSNP rs878853958, ClinGen allele CA10582632.
Genomic context (GRCh38, chr9:132,911,078, plus strand): 5'-TTTACTGTAAGGGTGTGACAGATCAGGTGGGACATTTCCAGGAGAAGTTGGAGGAGTGGT[C>T]ATACCACAAACCATAGATGGGCTCCAAAGAGTAGCCTGGGAAGTTAATAAAGTACATCAG-3'
Protein context (NP_000359.1, residues 345-365): TLWSPSMVCG[Met355Ile]TTPPTSPGNV